The following is an entry in ClinVar:

NC_000009.11:g.(?_32453279)_(35068379_?)dup

Genes: TOPORS (TOP1 binding arginine/serine rich protein, E3 ubiquitin ligase; minus strand), ANKRD18B (ankyrin repeat domain 18B; plus strand), CCL19 (C-C motif chemokine ligand 19; minus strand), TMEM215 (transmembrane protein 215; plus strand), AQP7 (aquaporin 7; minus strand) and 39 more. Cytogenetic location: 9p21.1-13.3.
Variant type: Duplication.
Identifiers: ClinVar variation 2425687 (VCV002425687.6).

ClinVar aggregate classification (germline): Uncertain significance (1 of 4 stars; one submission).

Conditions:
Frontotemporal dementia and/or amyotrophic lateral sclerosis 6 (FTDALS6). Also called: VCP-Related Amyotrophic Lateral Sclerosis/Frontotemporal Dementia; VCP-Related Amyotrophic Lateral Sclerosis. Identifiers: Orphanet 275872, Orphanet 803, MedGen C5436279, MONDO:0013501, OMIM 613954.
Inclusion body myopathy with Paget disease of bone and frontotemporal dementia. Also called: Inclusion body myopathy with early-onset Paget disease and frontotemporal dementia. Identifiers: Orphanet 52430, MedGen C1833662, MONDO:0000507.

Submission:

Labcorp Genetics (formerly Invitae), Labcorp
Classification: Uncertain significance for Inclusion body myopathy with Paget disease of bone and frontotemporal dementia; Frontotemporal dementia and/or amyotrophic lateral sclerosis 6. Last evaluated: 2022-06-22. Review status: criteria provided, single submitter. Criteria: Invitae Variant Classification Sherloc (09022015). Collection method: clinical testing. Allele origin: germline.
Comment: This variant results in a copy number gain of the genomic region encompassing exon(s) 2-17 of the VCP gene. This region includes the termination codon of the gene. This copy number gain extends beyond the assayed region for this gene and therefore may encompass additional genes. As the precise location of this event is unknown, it may be in tandem or it may be located elsewhere in the genome. In summary, the available evidence is currently insufficient to determine the role of this variant in disease. Therefore, it has been classified as a Variant of Uncertain Significance. Experimental studies and prediction algorithms are not available or were not evaluated, and the functional significance of this variant is currently unknown. This variant has not been reported in the literature in individuals affected with VCP-related conditions.